The following is an entry in ClinVar:

ClinVar aggregate classification (germline): Uncertain significance (1 of 4 stars; one submission).

Conditions:
Capillary malformation-arteriovenous malformation syndrome. Also called: Capillary malformation-arteriovenous malformation. Identifiers: Orphanet 137667, MedGen C1842180, MONDO:0012016.

Allele frequency attached by ClinVar (database versions not stated): gnomAD exomes below 0.00001.
gnomAD v4.1: 1 of 1,611,624 alleles (0.000062%); highest among the groups gnomAD compares: South Asian, 0.0011%; no homozygotes.

Submission:

Labcorp Genetics (formerly Invitae), Labcorp
Classification: Uncertain significance for Capillary malformation-arteriovenous malformation syndrome. Last evaluated: 2024-07-30. Review status: criteria provided, single submitter. Criteria: Invitae Variant Classification Sherloc (09022015). Collection method: clinical testing. Allele origin: germline.
Comment: This sequence change replaces isoleucine, which is neutral and non-polar, with valine, which is neutral and non-polar, at codon 543 of the RASA1 protein (p.Ile543Val). This variant is not present in population databases (gnomAD no frequency). This variant has not been reported in the literature in individuals affected with RASA1-related conditions. ClinVar contains an entry for this variant (Variation ID: 1014969). An algorithm developed to predict the effect of missense changes on protein structure and function (PolyPhen-2) suggests that this variant¬†is likely to be tolerated. In summary, the available evidence is currently insufficient to determine the role of this variant in disease. Therefore, it has been classified as a Variant of Uncertain Significance.

NM_002890.3(RASA1):c.1627A>G (p.Ile543Val)

Genes: CCNH (cyclin H; minus strand), RASA1 (RAS p21 protein activator 1; plus strand). Cytogenetic location: 5q14.3.
Variant type: single nucleotide variant.
Coding change: c.1627A>G on transcript NM_002890.3 (MANE Select); coding-DNA position 1627, A replaced by G.
Protein change: p.Ile543Val; replaces isoleucine 543 with valine.
Molecular consequence: missense variant. On other transcripts: intron variant (1).
Genome position (GRCh38, 1-based): chr5:87,369,829, A>G. VCF-style: chr5-87369829-A-G. GRCh37 (hg19) VCF-style: chr5-86665646-A-G.
Other names: c.1096A>G, p.Ile366Val (NM_022650.3); c.933+25215T>C (NM_001364075.2); short protein forms I366V, I543V.
Identifiers: ClinVar variation 1014969 (VCV001014969.9), dbSNP rs1760799694, ClinGen allele CA360371648.
Genomic context (GRCh38, chr5:87,369,829, plus strand): 5'-ACTTTTTATTAAGCTTCCTAATAATTTTTGTTTTTATTTTAAAGGCCAAACTGTTTTCAG[A>G]TAGTAGTTCAGCACTTTAGTGAAGAACATTACATCTTTTACTTTGCAGGAGAAACTCCAG-3'
Protein context (NP_002881.1, residues 533-553): SLFGRPNCFQ[Ile543Val]VVQHFSEEHY